The following is an entry in ClinVar:

NM_000044.6(AR):c.2339G>C (p.Arg780Pro)

Gene: AR (androgen receptor; plus strand). Cytogenetic location: Xq12.
Variant type: single nucleotide variant.
Coding change: c.2339G>C on transcript NM_000044.6 (MANE Select); coding-DNA position 2339, G replaced by C.
Protein change: p.Arg780Pro; replaces arginine 780 with proline.
Molecular consequence: missense variant.
Genome position (GRCh38, 1-based): chrX:67,721,853, G>C. VCF-style: chrX-67721853-G-C. GRCh37 (hg19) VCF-style: chrX-66941695-G-C.
Other names: c.743G>C, p.Arg248Pro (NM_001011645.3); short protein forms R248P, R780P.
Identifiers: ClinVar variation 2674671 (VCV002674671.1), dbSNP rs768366293, ClinGen allele CA413426453.
Genomic context (GRCh38, chrX:67,721,853, plus strand): 5'-TTCCCCTCATTCCTTTTTCCTCTGTGTATCTCCTTCCCAGGTACCGCATGCACAAGTCCC[G>C]GATGTACAGCCAGTGTGTCCGAATGAGGCACCTCTCTCAAGAGTTTGGATGGCTCCAAAT-3'
Protein context (NP_000035.2, residues 770-790): VFNEYRMHKS[Arg780Pro]MYSQCVRMRH

ClinVar aggregate classification (germline): Likely pathogenic (1 of 4 stars; one submission).

Conditions:
Androgen resistance syndrome (AIS). Also called: ANDROGEN RECEPTOR DEFICIENCY; DIHYDROTESTOSTERONE RECEPTOR DEFICIENCY; TESTICULAR FEMINIZATION SYNDROME; Androgen insensitivity syndrome; Androgen insensitivity; Androgen insensitivity, complete. Identifiers: Orphanet 754, Orphanet 99429, MedGen C0039585, MONDO:0019154, OMIM 300068. Disease mechanism: loss of function.

Submission:

Clinical Biochemistry Laboratory, Health Services Laboratory
Classification: Likely pathogenic for Androgen resistance syndrome. Last evaluated: 2023-11-20. Review status: criteria provided, single submitter. Criteria: ACMG Guidelines, 2015. Collection method: clinical testing. Allele origin: germline. Affected: yes.
Comment: ACMG:PM1 PM2 PM5 PP3 PP4